The following is an entry in ClinVar:

NM_001164508.2(NEB):c.10598_10599del (p.His3533fs)

Gene: NEB (nebulin; minus strand). Cytogenetic location: 2q23.3.
Variant type: Deletion.
Coding change: c.10598_10599del on transcript NM_001164508.2 (MANE Select); coding-DNA positions 10598 to 10599, 2 bases deleted (AC; older notation c.10598_10599delAC).
Protein change: p.His3533fs; shifts the reading frame from histidine 3533.
Molecular consequence: frameshift variant.
Genome position (GRCh38, 1-based): chr2:151,619,724-151,619,725, GT deleted on the plus strand (AC on the coding strand, the reverse complement: NEB is on the minus strand); deleting any 2 consecutive bases within chr2:151,619,724-151,619,726 gives the same sequence; the c. name uses the placement nearest the transcript's 3' end. VCF-style (leftmost placement, unchanged base first): chr2-151619723-GGT-G. GRCh37 (hg19) VCF-style: chr2-152476237-GGT-G.
Other names: c.10598_10599del, p.His3533fs (NM_001164507.2, NM_001271208.2); c.9869_9870del, p.His3290fs (NM_004543.5); short protein forms H3290fs, H3533fs.
Identifiers: ClinVar variation 1724434 (VCV001724434.2), dbSNP rs2552232854, ClinGen allele CA2580063973.
Genomic context (GRCh38, chr2:151,619,723, plus strand): 5'-TGGCAATGTGGAGGGACCACATTATCTTGGGGTCATCGTGTACTGCTCGGGCGCCAATGT[GGT>G]GACCCAACTGTTTACGATATGCTTCTTTGTATTTGTACTGAAAGAGAGAATCCAGTAAAT-3'

ClinVar aggregate classification (germline): Likely pathogenic (1 of 4 stars; one submission).

Conditions:
Nemaline myopathy 2 (NEM2). Also called: Nemaline myopathy 2, autosomal recessive. Identifiers: MedGen C1850569, MONDO:0009725, OMIM 256030.

Submission:

Myriad Genetics, Inc.
Classification: Likely pathogenic for Nemaline myopathy 2. Last evaluated: 2022-02-17. Review status: criteria provided, single submitter. Criteria: Myriad Women's Health Autosomal Recessive and X-Linked Classification Criteria (2021). Collection method: clinical testing. Allele origin: unknown.
Comment: NM_001271208.1(NEB):c.10598_10599delAC(H3533Pfs*10) is expected to be pathogenic in the context of NEB-related nemaline myopathy. This variant is predicted to lead to an abnormal or absent protein product due to the creation of a premature termination codon in NEB, a gene where loss-of-function variants are known to be pathogenic. Please note: this variant was assessed in the context of healthy population screening.